The following is an entry in ClinVar:

NM_001379200.1(TBX1):c.215_234del (p.Pro72fs)

Gene: TBX1 (T-box transcription factor 1; plus strand). Cytogenetic location: 22q11.21.
Variant type: Deletion.
Coding change: c.215_234del on transcript NM_001379200.1 (MANE Select); coding-DNA positions 215 to 234, 20 bases deleted (CGCCGCCGCCGCCGCACGCC).
Protein change: p.Pro72fs; shifts the reading frame from proline 72.
Molecular consequence: frameshift variant.
Genome position (GRCh38, 1-based): chr22:19,761,058-19,761,077, CGCCGCCGCCGCCGCACGCC deleted; deleting any 20 consecutive bases within chr22:19,761,055-19,761,077 gives the same sequence; the c. name uses the placement nearest the transcript's 3' end. VCF-style (leftmost placement, unchanged base first): chr22-19761054-GGCCCGCCGCCGCCGCCGCAC-G. GRCh37 (hg19) VCF-style: chr22-19748577-GGCCCGCCGCCGCCGCCGCAC-G.
Other names: c.188_207del, p.Pro63fs (NM_005992.1, NM_080646.2, NM_080647.1); short protein forms P63fs, P72fs.
Identifiers: ClinVar variation 3777108 (VCV003777108.1).

ClinVar aggregate classification (germline): Likely pathogenic (1 of 4 stars; one submission).

Conditions:
Velocardiofacial syndrome (VCFS). Also called: SHPRINTZEN VCF SYNDROME; VCF SYNDROME; Shprintzen syndrome. Identifiers: Orphanet 567, MedGen C0220704, MONDO:0008644, OMIM 192430. Disease mechanism: loss of function.
DiGeorge syndrome. Also called: Catch22; THIRD AND FOURTH PHARYNGEAL POUCH SYNDROME. Identifiers: Orphanet 567, MedGen C0012236, MONDO:0008564, OMIM 188400.

Submission:

University of Washington Department of Laboratory Medicine, University of Washington
Classification: Likely pathogenic for DiGeorge syndrome; Velocardiofacial syndrome. Last evaluated: 2022-06-06. Review status: criteria provided, single submitter. Criteria: ACMG Guidelines, 2015. Collection method: clinical testing. Allele origin: unknown. Affected: yes.
Comment: The p.Pro63Leufs*99 variant in the TBX1 gene has not been previously reported in association with disease. This variant was absent from large population databases, including the Genome Aggregation Database. However, large population databases may have reduced ability to detect large deletions in this region. The p.Pro63Leufs*99 variant results in a 20 bp deletion in exon 3 of 9 exons, which causes a shift in the protein reading frame, leading to a premature termination codon 99 amino acids downstream. Nonsense-mediated decay resulting in a truncated or absent protein is predicted with this variant. These predictions have not been tested directly. Using ACMG guidelines, this variant was classified as likely pathogenic for autosomal dominant TBX1-related syndrome (ACMG evidence codes used: PVS1, PM2_supporting).